The following is an entry in ClinVar:

ClinVar aggregate classification (germline): Uncertain significance (1 of 4 stars; one submission).

gnomAD v4.1: 2 of 1,057,576 alleles (0.00019%); highest among the groups gnomAD compares: Non-Finnish European, 0.00023%; no homozygotes.

Submission:

Women's Health and Genetics/Laboratory Corporation of America, LabCorp
Classification: Uncertain significance. Last evaluated: 2024-12-02. Review status: criteria provided, single submitter. Criteria: LabCorp Variant Classification Summary - May 2015. Collection method: clinical testing. Allele origin: germline.
Comment: Variant summary: DPP6 c.235G>T (p.Glu79X) results in a premature termination codon, predicted to cause a truncation of the encoded protein or absence of the protein due to nonsense mediated decay, however current evidence is not sufficient to establish loss of function as a mechanism for disease. The frequency data for this variant in gnomAD is considered unreliable, as metrics indicate poor data quality at this position. To our knowledge, no occurrence of c.235G>T in individuals affected with Mental Retardation, Autosomal Dominant 33 and no experimental evidence demonstrating its impact on protein function have been reported. No submitters have cited clinical-significance assessments for this variant to ClinVar. Based on the evidence outlined above, the variant was classified as uncertain significance.

NM_130797.4(DPP6):c.235G>T (p.Glu79Ter)

Gene: DPP6 (dipeptidyl peptidase like 6; plus strand). Cytogenetic location: 7q36.2.
Variant type: single nucleotide variant.
Coding change: c.235G>T on transcript NM_130797.4 (MANE Select); coding-DNA position 235, G replaced by T.
Protein change: p.Glu79Ter; replaces glutamic acid 79 with a stop codon.
Molecular consequence: nonsense. On other transcripts: intron variant (6).
Genome position (GRCh38, 1-based): chr7:154,053,055, G>T. VCF-style: chr7-154053055-G-T. GRCh37 (hg19) VCF-style: chr7-153750140-G-T.
Other names: c.235G>T, p.Glu79Ter (NM_001290253.2); c.60+304047G>T (NM_001364500.2, NM_001364499.2, NM_001364497.2 and 1 more transcripts); c.51+165321G>T (NM_001364501.2, NM_001039350.3); short protein forms E79*.
Identifiers: ClinVar variation 3768368 (VCV003768368.1).